The following is an entry in ClinVar:

NM_182961.4(SYNE1):c.25091C>G (p.Pro8364Arg)

Gene: SYNE1 (spectrin repeat containing nuclear envelope protein 1; minus strand). Cytogenetic location: 6q25.2.
Variant type: single nucleotide variant.
Coding change: c.25091C>G on transcript NM_182961.4 (MANE Select); coding-DNA position 25091, C replaced by G.
Protein change: p.Pro8364Arg; replaces proline 8364 with arginine.
Molecular consequence: missense variant.
Genome position (GRCh38, 1-based): chr6:152,143,651, G>C on the plus strand (C>G on the coding strand, the complement: SYNE1 is on the minus strand). VCF-style: chr6-152143651-G-C. GRCh37 (hg19) VCF-style: chr6-152464786-G-C.
Other names: c.1697C>G, p.Pro566Arg (NM_001347701.2); c.1625C>G, p.Pro542Arg (NM_001347702.2); c.24947C>G, p.Pro8316Arg (NM_033071.5); short protein forms P8316R, P8364R, P566R, P542R.
Identifiers: ClinVar variation 1896346 (VCV001896346.5), dbSNP rs148376885, ClinGen allele CA150170053.
Genomic context (GRCh38, chr6:152,143,651, plus strand): 5'-CAGGTCGGAATCAGGATGGCCAGGATACTTACGTAGCCTTTGTAGCTGGTGTCTAGCTCC[G>C]GCCCCGTGGGAGTTTTGCTGCGAATGATATTTTCGGTTTGCTGTATCTGAAAACGGCTAT-3'
Protein context (NP_892006.3, residues 8354-8374): NIIRSKTPTG[Pro8364Arg]ELDTSYKGYM

ClinVar aggregate classification (germline): Uncertain significance (1 of 4 stars; one submission).

Conditions:
Emery-Dreifuss muscular dystrophy 4, autosomal dominant (EDMD4). Also called: EMERY-DREIFUSS MUSCULAR DYSTROPHY 4 WITH VARIABLE FEATURES. Identifiers: Orphanet 261, MedGen C2751807, MONDO:0013071, OMIM 612998.
Autosomal recessive ataxia, Beauce type. Also called: SYNE1-Related Autosomal Recessive Cerebellar Ataxia; SYNE1 Deficiency; Spinocerebellar ataxia, autosomal recessive 8; ATAXIA, RECESSIVE, OF BEAUCE. Identifiers: Orphanet 88644, MedGen C1853116, MONDO:0012549, OMIM 610743.

gnomAD v4.1: 20 of 1,614,120 alleles (0.0012%); highest among the groups gnomAD compares: Non-Finnish European, 0.0016%; no homozygotes.

Submission:

Labcorp Genetics (formerly Invitae), Labcorp
Classification: Uncertain significance for Emery-Dreifuss muscular dystrophy 4, autosomal dominant; Autosomal recessive ataxia, Beauce type. Last evaluated: 2024-10-28. Review status: criteria provided, single submitter. Criteria: Invitae Variant Classification Sherloc (09022015). Collection method: clinical testing. Allele origin: germline.
Comment: This sequence change replaces proline, which is neutral and non-polar, with arginine, which is basic and polar, at codon 8316 of the SYNE1 protein (p.Pro8316Arg). This variant is present in population databases (no rsID available, gnomAD 0.0009%). This variant has not been reported in the literature in individuals affected with SYNE1-related conditions. ClinVar contains an entry for this variant (Variation ID: 1896346). An algorithm developed to predict the effect of missense changes on protein structure and function (PolyPhen-2) suggests that this variant is likely to be disruptive. In summary, the available evidence is currently insufficient to determine the role of this variant in disease. Therefore, it has been classified as a Variant of Uncertain Significance.